The following is an entry in ClinVar:

ClinVar aggregate classification (germline): Likely benign (1 of 4 stars; one submission).

Submission:

CeGaT Center for Human Genetics Tuebingen
Classification: Likely benign. Last evaluated: 2026-08-01. Review status: criteria provided, single submitter. Criteria: CeGaT Center For Human Genetics Tuebingen Variant Classification Criteria Version 2. Collection method: clinical testing. Allele origin: germline. Affected: yes. Observed: 1 variant allele.
Comment: GPATCH4: BP4, BP7

NM_015590.4(GPATCH4):c.741G>A (p.Lys247=)

Gene: GPATCH4 (G-patch domain containing 4 (gene/pseudogene); minus strand). Cytogenetic location: 1q22.
Variant type: single nucleotide variant.
Coding change: c.741G>A on transcript NM_015590.4; coding-DNA position 741, G replaced by A.
Protein change: p.Lys247=; no amino-acid change (lysine 247 retained).
Molecular consequence: synonymous variant.
Genome position (GRCh38, 1-based): chr1:156,595,600, C>T on the plus strand (G>A on the coding strand, the complement: GPATCH4 is on the minus strand). VCF-style: chr1-156595600-C-T. GRCh37 (hg19) VCF-style: chr1-156565392-C-T.
Other names: c.726G>A, p.Lys242= (NM_182679.3).
Identifiers: ClinVar variation 5039102 (VCV005039102.1).